The following is an entry in ClinVar:

ClinVar aggregate classification (germline): Pathogenic (1 of 4 stars; one submission).

Conditions:
Familial X-linked hypophosphatemic vitamin D refractory rickets (XLHRD). Also called: X-Linked Hypophosphatemia; HYPOPHOSPHATEMIC VITAMIN D-RESISTANT RICKETS; Hypophosphatemic Rickets, X-Linked Dominant; Hypophosphatemia, vitamin D-resistant rickets; Vitamin D-resistant rickets, X-linked. Identifiers: Orphanet 89936, MedGen C0733682, MONDO:0010619, OMIM 307800.

Submission:

3billion
Classification: Pathogenic for Familial X-linked hypophosphatemic vitamin D refractory rickets. Last evaluated: 2024-07-08. Review status: criteria provided, single submitter. Criteria: ACMG Guidelines, 2015. Collection method: clinical testing. Allele origin: germline. Affected: yes.
Comment: The variant is not observed in the gnomAD v4.0.0 dataset. Predicted Consequence/Location: Stop-gained (nonsense): predicted to result in a loss or disruption of normal protein function through nonsense-mediated decay (NMD) or protein truncation. Multiple pathogenic variants are reported downstream of the variant. The variant has been reported to be associated with PHEX related disorder (PMID: 10439971). Therefore, this variant is classified as Pathogenic according to the recommendation of ACMG/AMP guideline.

Literature cited by the submitters: PubMed 10439971.

NM_000444.6(PHEX):c.1351G>T (p.Glu451Ter)

Gene: PHEX (phosphate regulating endopeptidase X-linked; plus strand). Cytogenetic location: Xp22.11.
Variant type: single nucleotide variant.
Coding change: c.1351G>T on transcript NM_000444.6 (MANE Select); coding-DNA position 1351, G replaced by T.
Protein change: p.Glu451Ter; replaces glutamic acid 451 with a stop codon.
Molecular consequence: nonsense.
Genome position (GRCh38, 1-based): chrX:22,133,571, G>T. VCF-style: chrX-22133571-G-T. GRCh37 (hg19) VCF-style: chrX-22151688-G-T.
Other names: c.1351G>T, p.Glu451Ter (NM_001282754.2); short protein forms E451*.
Identifiers: ClinVar variation 4293729 (VCV004293729.1).